The following is an entry in ClinVar:

ClinVar aggregate classification (germline): Pathogenic (1 of 4 stars; one submission).

Submission:

Labcorp Genetics (formerly Invitae), Labcorp
Classification: Pathogenic. Last evaluated: 2024-01-11. Review status: criteria provided, single submitter. Criteria: Invitae Variant Classification Sherloc (09022015). Collection method: clinical testing. Allele origin: germline.
Comment: This variant is a gross deletion of the genomic region encompassing exon(s) 19 of the OCA2 gene. This deletion is out-of-frame, and is expected to create a premature termination codon and result in an absent or disrupted protein product. Loss-of-function variants in OCA2 are known to be pathogenic (PMID: 19865097, 21541274). A similar copy number variant has been observed in individual(s) with oculocutaneous albinism (PMID: 28266639, 30868578). It has also been observed to segregate with disease in related individuals. For these reasons, this variant has been classified as Pathogenic.

Literature cited by the submitters: PubMed 19865097; PubMed 21541274; PubMed 28266639; PubMed 30868578.

NC_000015.9:g.(?_28171253)_(28171420_?)del

Gene: OCA2 (OCA2 melanosomal transmembrane protein; minus strand). Cytogenetic location: 15q13.1.
Variant type: Deletion.
Identifiers: ClinVar variation 1402367 (VCV001402367.7).